The following is an entry in ClinVar:

NM_003743.5(NCOA1):c.3294T>G (p.Ile1098Met)

Gene: NCOA1 (nuclear receptor coactivator 1; plus strand). Cytogenetic location: 2p23.3.
Variant type: single nucleotide variant.
Coding change: c.3294T>G on transcript NM_003743.5 (MANE Select); coding-DNA position 3294, T replaced by G.
Protein change: p.Ile1098Met; replaces isoleucine 1098 with methionine.
Molecular consequence: missense variant.
Genome position (GRCh38, 1-based): chr2:24,739,524, T>G. VCF-style: chr2-24739524-T-G. GRCh37 (hg19) VCF-style: chr2-24962393-T-G.
Other names: c.3294T>G, p.Ile1098Met (NM_001362950.1, NM_001362952.1, NM_001362954.1 and 3 more transcripts); short protein forms I1098M.
Identifiers: ClinVar variation 3356365 (VCV003356365.1).

ClinVar aggregate classification (germline): Uncertain significance (0 of 4 stars; one submission).

Conditions:
NCOA1-related disorder. Also called: NCOA1-related condition.

gnomAD v4.1: 85 of 1,612,102 alleles (0.0053%); highest among the groups gnomAD compares: Non-Finnish European, 0.0067%; no homozygotes.

Submission:

PreventionGenetics, part of Exact Sciences
Classification: Uncertain significance for NCOA1-related condition. Last evaluated: 2024-05-14. Review status: no assertion criteria provided. Collection method: clinical testing. Allele origin: germline.
Comment: The NCOA1 c.3294T>G variant is predicted to result in the amino acid substitution p.Ile1098Met. To our knowledge, this variant has not been reported in the literature. This variant is reported in 0.0044% of alleles in individuals of European (Non-Finnish) descent in gnomAD. At this time, the clinical significance of this variant is uncertain due to the absence of conclusive functional and genetic evidence.